The following is an entry in ClinVar:

NM_032229.3(SLITRK6):c.1754C>T (p.Thr585Ile)

Gene: SLITRK6 (SLIT and NTRK like family member 6; minus strand). Cytogenetic location: 13q31.1.
Variant type: single nucleotide variant.
Coding change: c.1754C>T on transcript NM_032229.3 (MANE Select); coding-DNA position 1754, C replaced by T.
Protein change: p.Thr585Ile; replaces threonine 585 with isoleucine.
Molecular consequence: missense variant.
Genome position (GRCh38, 1-based): chr13:85,794,755, G>A on the plus strand (C>T on the coding strand, the complement: SLITRK6 is on the minus strand). VCF-style: chr13-85794755-G-A. GRCh37 (hg19) VCF-style: chr13-86368890-G-A.
Other names: short protein forms T585I.
Identifiers: ClinVar variation 666918 (VCV000666918.7), dbSNP rs1229145139, ClinGen allele CA388374694.
Genomic context (GRCh38, chr13:85,794,755, plus strand): 5'-ACAGCGTCCGTAAGAGATCGTAAAATAGTATCAGCCGTATTTGTTGTTGTTGCAGGAGTG[G>A]TGACCATAAGGTAACTAGTCTGTGTTGGCATGGATGGGTTATTTACTAAACCTGGACAGA-3'
Protein context (NP_115605.2, residues 575-595): MPTQTSYLMV[Thr585Ile]TPATTTNTAD

ClinVar aggregate classification (germline): Conflicting classifications of pathogenicity. Review status: criteria provided, conflicting classifications (1 of 4 stars). 2 submissions from 2 submitters: Uncertain significance (1); Likely benign (1). Last evaluated 2019-11-25.

Allele frequency attached by ClinVar (database versions not stated): TOPMed below 0.00001; gnomAD 0.00001; gnomAD exomes 0.00001.
gnomAD v4.1: 11 of 1,613,106 alleles (0.00068%); highest among the groups gnomAD compares: Middle Eastern, 0.066%; no homozygotes.

Submissions (2):

GeneDx
Classification: Likely benign. Last evaluated: 2019-11-25. Review status: criteria provided, single submitter. Criteria: GeneDx Variant Classification Process June 2021. Collection method: clinical testing. Allele origin: germline. Affected: yes.

Laboratory for Molecular Medicine, Mass General Brigham Personalized Medicine
Classification: Uncertain significance. Last evaluated: 2018-03-01. Review status: criteria provided, single submitter. Criteria: LMM Criteria. Collection method: clinical testing. Allele origin: germline. Observed: 1 variant allele.
Comment: The p.Thr585Ile variant in SLITRK6 has not been previously reported in individua ls with hearing loss, but has been identified in 2/33446 Latino chromosomes by t he Genome Aggregation Database (gnomAD). Compu tational prediction tools and conservation analysis suggest that the p.Thr585Ile variant may not impact the protein, though this information is not predictive e nough to rule out pathogenicity. In summary, the clinical significance of the p. Thr585Ile variant is uncertain. ACMG/AMP Criteria applied: PM2; BP4.